The following is an entry in ClinVar:

NM_001127208.3(TET2):c.250G>A (p.Gly84Arg)

Genes: TET2 (tet methylcytosine dioxygenase 2; plus strand), TET2-AS1 (TET2 antisense RNA 1; minus strand). Cytogenetic location: 4q24.
Variant type: single nucleotide variant.
Coding change: c.250G>A on transcript NM_001127208.3 (MANE Select); coding-DNA position 250, G replaced by A.
Protein change: p.Gly84Arg; replaces glycine 84 with arginine.
Molecular consequence: missense variant.
Genome position (GRCh38, 1-based): chr4:105,234,192, G>A. VCF-style: chr4-105234192-G-A. GRCh37 (hg19) VCF-style: chr4-106155349-G-A.
Other names: c.250G>A, p.Gly84Arg (NM_017628.4); short protein forms G84R.
Identifiers: ClinVar variation 4843479 (VCV004843479.1).

ClinVar aggregate classification (germline): Uncertain significance (1 of 4 stars; one submission).

gnomAD v4.1: 1 of 1,614,154 alleles (0.000062%); highest among the groups gnomAD compares: Admixed American, 0.0017%; no homozygotes.

Submission:

Ambry Genetics
Classification: Uncertain significance. Last evaluated: 2025-12-18. Review status: criteria provided, single submitter. Criteria: Ambry Variant Classification Scheme 2023. Collection method: clinical testing. Allele origin: germline.
Comment: The p.G84R variant (also known as c.250G>A), located in coding exon 1 of the TET2 gene, results from a G to A substitution at nucleotide position 250. The glycine at codon 84 is replaced by arginine, an amino acid with dissimilar properties. This amino acid position is conserved. In addition, this alteration is predicted to be tolerated by in silico analysis. Based on the available evidence, the clinical significance of this variant remains unclear.